The following is an entry in ClinVar:

NM_004369.4(COL6A3):c.5501-150G>T

Gene: COL6A3 (collagen type VI alpha 3 chain; minus strand). Cytogenetic location: 2q37.3.
Variant type: single nucleotide variant.
Coding change: c.5501-150G>T on transcript NM_004369.4 (MANE Select); 150 bases into the intron before coding-DNA position 5501, G replaced by T.
Molecular consequence: intron variant.
Genome position (GRCh38, 1-based): chr2:237,366,185, C>A on the plus strand (G>T on the coding strand, the complement: COL6A3 is on the minus strand). VCF-style: chr2-237366185-C-A. GRCh37 (hg19) VCF-style: chr2-238274828-C-A.
Other names: c.3680-150G>T (NM_057166.5); c.4883-150G>T (NM_057167.4).
Identifiers: ClinVar variation 680753 (VCV000680753.2), dbSNP rs2645770, ClinGen allele CA11175405.
Genomic context (GRCh38, chr2:237,366,185, plus strand): 5'-AGGACCAGGGCATCGCACTCAAGTGCAAAATGAGATCCTGTGTGTGTGAGCTTTGAGAAG[C>A]AATTCTATCCACCCCTCTCACAGAGAGAAATGAGGGTAGCTGTTAGGTGCCAAATAGTAA-3'

ClinVar aggregate classification (germline): Benign. Review status: criteria provided, multiple submitters, no conflicts (2 of 4 stars). 2 submissions from 2 submitters: Benign (2). Last evaluated 2018-06-14.

Allele frequency attached by ClinVar (database versions not stated): gnomAD 0.19438; TOPMed 0.20652; 1000 Genomes Project 0.22105; 1000 Genomes Project 30x 0.22345.
gnomAD v4.1: 148,903 of 703,674 alleles (21%); highest among the groups gnomAD compares: Admixed American, 29%; 16,694 homozygotes.

Submissions (2):

GeneDx
Classification: Benign. Last evaluated: 2018-06-14. Review status: criteria provided, single submitter. Criteria: GeneDx Variant Classification (06012015). Collection method: clinical testing. Allele origin: germline. Affected: yes.
Comment: This variant is considered likely benign or benign based on one or more of the following criteria: it is a conservative change, it occurs at a poorly conserved position in the protein, it is predicted to be benign by multiple in silico algorithms, and/or has population frequency not consistent with disease.

Breakthrough Genomics
Classification: Benign. Review status: criteria provided, single submitter. Criteria: ACMG Guidelines, 2015. Collection method: not provided. Allele origin: germline. Inheritance: Autosomal recessive inheritance. Affected: yes.